The following is an entry in ClinVar:

ClinVar aggregate classification (germline): Uncertain significance (1 of 4 stars; one submission).

Conditions:
Bardet-Biedl syndrome (BBS). Identifiers: Orphanet 110, MedGen C0752166, MONDO:0015229.

Allele frequency attached by ClinVar (database versions not stated): gnomAD exomes below 0.00001.
gnomAD v4.1: 2 of 1,614,138 alleles (0.00012%); highest among the groups gnomAD compares: Non-Finnish European, 0.00017%; no homozygotes.

Submission:

Labcorp Genetics (formerly Invitae), Labcorp
Classification: Uncertain significance for Bardet-Biedl syndrome. Last evaluated: 2022-03-16. Review status: criteria provided, single submitter. Criteria: Invitae Variant Classification Sherloc (09022015). Collection method: clinical testing. Allele origin: germline.
Comment: In summary, the available evidence is currently insufficient to determine the role of this variant in disease. Therefore, it has been classified as a Variant of Uncertain Significance. Algorithms developed to predict the effect of missense changes on protein structure and function output the following: SIFT: "Tolerated"; PolyPhen-2: "Benign"; Align-GVGD: "Class C0". The isoleucine amino acid residue is found in multiple mammalian species, which suggests that this missense change does not adversely affect protein function. This variant has not been reported in the literature in individuals affected with BBS12-related conditions. This variant is not present in population databases (gnomAD no frequency). This sequence change replaces threonine, which is neutral and polar, with isoleucine, which is neutral and non-polar, at codon 53 of the BBS12 protein (p.Thr53Ile).

NM_152618.3(BBS12):c.158C>T (p.Thr53Ile)

Gene: BBS12 (Bardet-Biedl syndrome 12; plus strand). Cytogenetic location: 4q27.
Variant type: single nucleotide variant.
Coding change: c.158C>T on transcript NM_152618.3 (MANE Select); coding-DNA position 158, C replaced by T.
Protein change: p.Thr53Ile; replaces threonine 53 with isoleucine.
Molecular consequence: missense variant.
Genome position (GRCh38, 1-based): chr4:122,742,050, C>T. VCF-style: chr4-122742050-C-T. GRCh37 (hg19) VCF-style: chr4-123663205-C-T.
Other names: c.158C>T, p.Thr53Ile (NM_001178007.2); short protein forms T53I.
Identifiers: ClinVar variation 1918849 (VCV001918849.5), dbSNP rs2485071811, ClinGen allele CA358222314.